The following is an entry in ClinVar:

NM_001378615.1(CC2D2A):c.4675-87del

Genes: CC2D2A (coiled-coil and C2 domain containing 2A; plus strand), FBXL5 (F-box and leucine rich repeat protein 5; minus strand). Cytogenetic location: 4p15.32.
Variant type: Deletion.
Coding change: c.4675-87del on transcript NM_001378615.1 (MANE Select); 87 bases into the intron before coding-DNA position 4675, one base deleted (C; older notation c.4675-87delC).
Molecular consequence: intron variant.
Genome position (GRCh38, 1-based): chr4:15,601,150, C deleted. VCF-style (leftmost placement, unchanged base first): chr4-15601149-AC-A. GRCh37 (hg19) VCF-style: chr4-15602772-AC-A.
Other names: c.4675-87delC (NM_001080522.2); c.4675-87del (NM_001080522.2); c.4528-87del (NM_001378617.1).
Identifiers: ClinVar variation 674725 (VCV000674725.1), dbSNP rs748744648, ClinGen allele CA92537644.

ClinVar aggregate classification (germline): Benign (1 of 4 stars; one submission).

Allele frequency attached by ClinVar (database versions not stated): 1000 Genomes Project 30x 0.07074; gnomAD exomes 0.21522; gnomAD 0.33561 and 0.34262.

Submission:

GeneDx
Classification: Benign. Last evaluated: 2018-06-14. Review status: criteria provided, single submitter. Criteria: GeneDx Variant Classification (06012015). Collection method: clinical testing. Allele origin: germline. Affected: yes.
Comment: This variant is considered likely benign or benign based on one or more of the following criteria: it is a conservative change, it occurs at a poorly conserved position in the protein, it is predicted to be benign by multiple in silico algorithms, and/or has population frequency not consistent with disease.